The following is an entry in ClinVar:

ClinVar aggregate classification (germline): Uncertain significance (1 of 4 stars; one submission).

Submission:

Ambry Genetics
Classification: Uncertain significance. Last evaluated: 2024-08-07. Review status: criteria provided, single submitter. Criteria: Ambry Variant Classification Scheme 2023. Collection method: clinical testing. Allele origin: germline.
Comment: The p.R255T variant (also known as c.764G>C), located in coding exon 3 of the MYOM1 gene, results from a G to C substitution at nucleotide position 764. The arginine at codon 255 is replaced by threonine, an amino acid with similar properties. This amino acid position is conserved. In addition, this alteration is predicted to be tolerated by in silico analysis. Based on the available evidence, the clinical significance of this variant remains unclear.

NM_003803.4(MYOM1):c.764G>C (p.Arg255Thr)

Gene: MYOM1 (myomesin 1; minus strand). Cytogenetic location: 18p11.31.
Variant type: single nucleotide variant.
Coding change: c.764G>C on transcript NM_003803.4 (MANE Select); coding-DNA position 764, G replaced by C.
Protein change: p.Arg255Thr; replaces arginine 255 with threonine.
Molecular consequence: missense variant.
Genome position (GRCh38, 1-based): chr18:3,188,755, C>G on the plus strand (G>C on the coding strand, the complement: MYOM1 is on the minus strand). VCF-style: chr18-3188755-C-G. GRCh37 (hg19) VCF-style: chr18-3188753-C-G.
Other names: c.764G>C, p.Arg255Thr (NM_019856.2); short protein forms R255T.
Identifiers: ClinVar variation 3401847 (VCV003401847.1).
Genomic context (GRCh38, chr18:3,188,755, plus strand): 5'-CTTATGACATGCATTTCCACCTTTGTAAGTTACTTTAAACTGTCTTTTCTTACTGTTTTC[C>G]TCAGGGACAGGCGTTCTGCCTTTTCTCGAATCACAACTTTCCTTGACTTCTTTTCAGAAG-3'
Protein context (NP_003794.3, residues 245-265): IREKAERLSL[Arg255Thr]KTLEETETYH